The following is an entry in ClinVar:

ClinVar aggregate classification (germline): Benign/Likely benign. Review status: criteria provided, multiple submitters, no conflicts (2 of 4 stars). 2 submissions from 2 submitters: Benign (1); Likely benign (1). Last evaluated 2026-04-28.

Conditions:
Colorectal cancer, hereditary nonpolyposis, type 7. Identifiers: Orphanet 144, MedGen C1858380, MONDO:0013725, OMIM 614385.

Allele frequency attached by ClinVar (database versions not stated): gnomAD exomes below 0.00001; TOPMed 0.00001; gnomAD 0.00003.
gnomAD v4.1: 6 of 1,614,026 alleles (0.00037%); highest among the groups gnomAD compares: African/African-American, 0.0067%; no homozygotes.

Submissions (2):

Myriad Genetics, Inc.
Classification: Benign for Colorectal cancer, hereditary nonpolyposis, type 7. Last evaluated: 2026-04-28. Review status: criteria provided, single submitter. Criteria: Myriad Autosomal Dominant, Autosomal Recessive and X-Linked Classification Criteria (2023). Collection method: clinical testing. Allele origin: unknown.
Comment: This variant is considered benign. This variant is a silent/synonymous amino acid change and it is not expected to impact splicing.

Ambry Genetics
Classification: Likely benign. Last evaluated: 2022-08-24. Review status: criteria provided, single submitter. Criteria: Ambry Variant Classification Scheme 2023. Collection method: clinical testing. Allele origin: germline.

NM_001040108.2(MLH3):c.132G>A (p.Arg44=)

Gene: MLH3 (mutL homolog 3; minus strand). Cytogenetic location: 14q24.3.
Variant type: single nucleotide variant.
Coding change: c.132G>A on transcript NM_001040108.2 (MANE Select); coding-DNA position 132, G replaced by A.
Protein change: p.Arg44=; no amino-acid change (arginine 44 retained).
Molecular consequence: synonymous variant.
Genome position (GRCh38, 1-based): chr14:75,049,524, C>T on the plus strand (G>A on the coding strand, the complement: MLH3 is on the minus strand). VCF-style: chr14-75049524-C-T. GRCh37 (hg19) VCF-style: chr14-75516227-C-T.
Other names: c.132G>A, p.Arg44= (NM_014381.3).
Identifiers: ClinVar variation 1770111 (VCV001770111.3), dbSNP rs752498783, ClinGen allele CA487274430.